The following is an entry in ClinVar:

ClinVar aggregate classification (germline): Uncertain significance (1 of 4 stars; one submission).

Allele frequency attached by ClinVar (database versions not stated): gnomAD exomes below 0.00001.
gnomAD v4.1: 6 of 1,612,466 alleles (0.00037%); highest among the groups gnomAD compares: Non-Finnish European, 0.00051%; no homozygotes.

Submission:

Labcorp Genetics (formerly Invitae), Labcorp
Classification: Uncertain significance. Last evaluated: 2025-07-20. Review status: criteria provided, single submitter. Criteria: Invitae Variant Classification Sherloc (09022015). Collection method: clinical testing. Allele origin: germline.
Comment: This sequence change replaces arginine, which is basic and polar, with glutamine, which is neutral and polar, at codon 22 of the NT5C3A protein (p.Arg22Gln). This variant is not present in population databases (gnomAD no frequency). This variant has not been reported in the literature in individuals affected with NT5C3A-related conditions. ClinVar contains an entry for this variant (Variation ID: 2874113). Invitae Evidence Modeling of protein sequence and biophysical properties (such as structural, functional, and spatial information, amino acid conservation, physicochemical variation, residue mobility, and thermodynamic stability) indicates that this missense variant is not expected to disrupt NT5C3A protein function with a negative predictive value of 80%. In summary, the available evidence is currently insufficient to determine the role of this variant in disease. Therefore, it has been classified as a Variant of Uncertain Significance.

NM_001002010.5(NT5C3A):c.167G>A (p.Arg56Gln)

Gene: NT5C3A (5'-nucleotidase, cytosolic IIIA; minus strand). Cytogenetic location: 7p14.3.
Variant type: single nucleotide variant.
Coding change: c.167G>A on transcript NM_001002010.5 (MANE Select); coding-DNA position 167, G replaced by A.
Protein change: p.Arg56Gln; replaces arginine 56 with glutamine.
Molecular consequence: missense variant. On other transcripts: intron variant (2).
Genome position (GRCh38, 1-based): chr7:33,026,887, C>T on the plus strand (G>A on the coding strand, the complement: NT5C3A is on the minus strand). VCF-style: chr7-33026887-C-T. GRCh37 (hg19) VCF-style: chr7-33066499-C-T.
Other names: c.65G>A, p.Arg22Gln (NM_001002009.3, NM_016489.14); c.29G>A, p.Arg10Gln (NM_001166118.3, NM_001356996.3, NM_001374336.1 and 1 more transcripts); c.167G>A, p.Arg56Gln (NM_001374338.1); c.139-2779G>A (NM_001374335.1); c.37-2779G>A (NM_001374339.1); short protein forms R56Q, R22Q, R10Q.
Identifiers: ClinVar variation 2874113 (VCV002874113.3), dbSNP rs2534738273, ClinGen allele CA367193807.